The following is an entry in ClinVar:

ClinVar aggregate classification (germline): Uncertain significance. Review status: criteria provided, multiple submitters, no conflicts (2 of 4 stars). 2 submissions from 2 submitters: Uncertain significance (2). Last evaluated 2022-09-14.

Conditions:
Inborn genetic diseases. Identifiers: MedGen C0950123, MeSH D030342.

Allele frequency attached by ClinVar (database versions not stated): gnomAD exomes below 0.00001; TOPMed below 0.00001; ExAC 0.00001; gnomAD 0.00001.
gnomAD v4.1: 3 of 1,608,644 alleles (0.00019%); highest among the groups gnomAD compares: Non-Finnish European, 0.00026%; no homozygotes.

Submissions (2):

Labcorp Genetics (formerly Invitae), Labcorp
Classification: Uncertain significance. Last evaluated: 2022-09-14. Review status: criteria provided, single submitter. Criteria: Invitae Variant Classification Sherloc (09022015). Collection method: clinical testing. Allele origin: germline.
Comment: In summary, the available evidence is currently insufficient to determine the role of this variant in disease. Therefore, it has been classified as a Variant of Uncertain Significance. This sequence change replaces glycine, which is neutral and non-polar, with cysteine, which is neutral and slightly polar, at codon 240 of the HPGD protein (p.Gly240Cys). This variant is present in population databases (rs756361040, gnomAD 0.003%). This variant has not been reported in the literature in individuals affected with HPGD-related conditions. Algorithms developed to predict the effect of missense changes on protein structure and function are either unavailable or do not agree on the potential impact of this missense change (SIFT: "Deleterious"; PolyPhen-2: "Probably Damaging"; Align-GVGD: "Class C0").

Ambry Genetics
Classification: Uncertain significance for Inborn genetic diseases. Last evaluated: 2021-08-02. Review status: criteria provided, single submitter. Criteria: Ambry Variant Classification Scheme 2023. Collection method: clinical testing. Allele origin: germline.

NM_000860.6(HPGD):c.718G>T (p.Gly240Cys)

Gene: HPGD (15-hydroxyprostaglandin dehydrogenase; minus strand). Cytogenetic location: 4q34.1.
Variant type: single nucleotide variant.
Coding change: c.718G>T on transcript NM_000860.6 (MANE Select); coding-DNA position 718, G replaced by T.
Protein change: p.Gly240Cys; replaces glycine 240 with cysteine.
Molecular consequence: missense variant. On other transcripts: 3 prime UTR variant (2).
Genome position (GRCh38, 1-based): chr4:174,492,039, C>A on the plus strand (G>T on the coding strand, the complement: HPGD is on the minus strand). VCF-style: chr4-174492039-C-A. GRCh37 (hg19) VCF-style: chr4-175413190-C-A.
Other names: c.*17G>T (NM_001145816.3); c.355G>T, p.Gly119Cys (NM_001256301.1, NM_001256307.2); c.*45G>T (NM_001256305.2); c.514G>T, p.Gly172Cys (NM_001256306.2); short protein forms G119C, G172C, G240C.
Identifiers: ClinVar variation 1928666 (VCV001928666.5), dbSNP rs756361040, ClinGen allele CA3142172.